The following is an entry in ClinVar:

NM_001276270.2(MBD4):c.923G>T (p.Ser308Ile)

Gene: MBD4 (methyl-CpG binding domain 4, DNA glycosylase; minus strand). Cytogenetic location: 3q21.3.
Variant type: single nucleotide variant.
Coding change: c.923G>T on transcript NM_001276270.2 (MANE Select); coding-DNA position 923, G replaced by T.
Protein change: p.Ser308Ile; replaces serine 308 with isoleucine.
Molecular consequence: missense variant. On other transcripts: intron variant (1).
Genome position (GRCh38, 1-based): chr3:129,436,721, C>A on the plus strand (G>T on the coding strand, the complement: MBD4 is on the minus strand). VCF-style: chr3-129436721-C-A. GRCh37 (hg19) VCF-style: chr3-129155564-C-A.
Other names: c.923G>T, p.Ser308Ile (NM_001276271.2, NM_001276272.2, NM_003925.3); c.247+1087G>T (NM_001276273.2); short protein forms S308I.
Identifiers: ClinVar variation 3870895 (VCV003870895.2).
Genomic context (GRCh38, chr3:129,436,721, plus strand): 5'-TTTTGTTCAGAACAAAAATTTGATCCTGAACTCAATGATCTTTCTTTTTTTTTTACAAGG[C>A]TGTTTTCTTCACTGGTCACACTGAGGGTCTCACCACATGCTCCAGCATCAGAAATGCAGA-3'
Protein context (NP_001263199.1, residues 298-318): ETLSVTSEEN[Ser308Ile]LVKKKERSLS

ClinVar aggregate classification (germline): Uncertain significance. Review status: criteria provided, multiple submitters, no conflicts (2 of 4 stars). 2 submissions from 2 submitters: Uncertain significance (2). Last evaluated 2025-04-22.

Conditions:
Inborn genetic diseases. Identifiers: MedGen C0950123, MeSH D030342.

Submissions (2):

Labcorp Genetics (formerly Invitae), Labcorp
Classification: Uncertain significance. Last evaluated: 2025-04-22. Review status: criteria provided, single submitter. Criteria: Invitae Variant Classification Sherloc (09022015). Collection method: clinical testing. Allele origin: germline.
Comment: This sequence change replaces serine, which is neutral and polar, with isoleucine, which is neutral and non-polar, at codon 308 of the MBD4 protein (p.Ser308Ile). This variant is not present in population databases (gnomAD no frequency). This variant has not been reported in the literature in individuals affected with MBD4-related conditions. An algorithm developed to predict the effect of missense changes on protein structure and function (PolyPhen-2) suggests that this variant is likely to be tolerated. In summary, the available evidence is currently insufficient to determine the role of this variant in disease. Therefore, it has been classified as a Variant of Uncertain Significance.

Ambry Genetics
Classification: Uncertain significance for Inborn genetic diseases. Last evaluated: 2025-01-11. Review status: criteria provided, single submitter. Criteria: Ambry Variant Classification Scheme 2023. Collection method: clinical testing. Allele origin: germline.
Comment: The p.S308I variant (also known as c.923G>T), located in coding exon 3 of the MBD4 gene, results from a G to T substitution at nucleotide position 923. The serine at codon 308 is replaced by isoleucine, an amino acid with dissimilar properties. This amino acid position is conserved. In addition, this alteration is predicted to be tolerated by in silico analysis. Based on the available evidence, the clinical significance of this variant remains unclear.